The following is an entry in ClinVar:

ClinVar aggregate classification (germline): Uncertain significance. Review status: criteria provided, multiple submitters, no conflicts (2 of 4 stars). 2 submissions from 2 submitters: Uncertain significance (2). Last evaluated 2024-01-09.

Conditions:
Inborn genetic diseases. Identifiers: MedGen C0950123, MeSH D030342.

Allele frequency attached by ClinVar (database versions not stated): ESP Exome Variant Server 0.00008.
gnomAD v4.1: 112 of 1,614,056 alleles (0.0069%); highest among the groups gnomAD compares: Admixed American, 0.067%; 1 homozygote.

Submissions (2):

Ambry Genetics
Classification: Uncertain significance for Inborn genetic diseases. Last evaluated: 2024-01-09. Review status: criteria provided, single submitter. Criteria: Ambry Variant Classification Scheme 2023. Collection method: clinical testing. Allele origin: germline.

Labcorp Genetics (formerly Invitae), Labcorp
Classification: Uncertain significance. Last evaluated: 2022-07-30. Review status: criteria provided, single submitter. Criteria: Invitae Variant Classification Sherloc (09022015). Collection method: clinical testing. Allele origin: germline.
Comment: This sequence change replaces arginine, which is basic and polar, with cysteine, which is neutral and slightly polar, at codon 148 of the SLC18A3 protein (p.Arg148Cys). This variant is present in population databases (rs201839613, gnomAD 0.2%). This variant has not been reported in the literature in individuals affected with SLC18A3-related conditions. ClinVar contains an entry for this variant (Variation ID: 1442139). Algorithms developed to predict the effect of missense changes on protein structure and function (SIFT, PolyPhen-2, Align-GVGD) all suggest that this variant is likely to be disruptive. In summary, the available evidence is currently insufficient to determine the role of this variant in disease. Therefore, it has been classified as a Variant of Uncertain Significance.

NM_003055.3(SLC18A3):c.442C>T (p.Arg148Cys)

Genes: CHAT (choline O-acetyltransferase; plus strand), SLC18A3 (solute carrier family 18 member A3; plus strand). Cytogenetic location: 10q11.23.
Variant type: single nucleotide variant.
Coding change: c.442C>T on transcript NM_003055.3 (MANE Select); coding-DNA position 442, C replaced by T.
Protein change: p.Arg148Cys; replaces arginine 148 with cysteine.
Molecular consequence: missense variant. On other transcripts: intron variant (1).
Genome position (GRCh38, 1-based): chr10:49,611,182, C>T. VCF-style: chr10-49611182-C-T. GRCh37 (hg19) VCF-style: chr10-50819228-C-T.
Other names: c.-69+1983C>T (NM_020984.4); short protein forms R148C.
Identifiers: ClinVar variation 1442139 (VCV001442139.5), dbSNP rs201839613, ClinGen allele CA5496765.
Genomic context (GRCh38, chr10:49,611,182, plus strand): 5'-TTTGCTTCCAAGGCTATCCTGCAGCTGCTAGTGAACCCCTTGAGCGGGCCCTTCATCGAC[C>T]GCATGAGCTACGACGTGCCGCTGCTGATCGGCCTGGGCGTCATGTTCGCCTCTACAGTCC-3'
Protein context (NP_003046.2, residues 138-158): VNPLSGPFID[Arg148Cys]MSYDVPLLIG